The following is an entry in ClinVar:

NM_001080442.3(SLC38A8):c.1021C>T (p.Pro341Ser)

Gene: SLC38A8 (solute carrier family 38 member 8; minus strand). Cytogenetic location: 16q23.3.
Variant type: single nucleotide variant.
Coding change: c.1021C>T on transcript NM_001080442.3 (MANE Select); coding-DNA position 1021, C replaced by T.
Protein change: p.Pro341Ser; replaces proline 341 with serine.
Molecular consequence: missense variant.
Genome position (GRCh38, 1-based): chr16:84,016,660, G>A on the plus strand (C>T on the coding strand, the complement: SLC38A8 is on the minus strand). VCF-style: chr16-84016660-G-A. GRCh37 (hg19) VCF-style: chr16-84050265-G-A.
Other names: c.1021C>T (NM_001080442.1); short protein forms P341S.
Identifiers: ClinVar variation 3046651 (VCV003046651.3), dbSNP rs138524338, ClinGen allele CA8199824.
Genomic context (GRCh38, chr16:84,016,660, plus strand): 5'-TGGCGAGCGTCACGGTGACCCACAGGATGGTCAGCGGCATCCGGACCCACAGCCCTGAGG[G>A]GTCGGCCAGGGCGCTGGGCCCCCATCCCCCCAAGCAGCTCCTCCTCCAGAAGTCCTGCAT-3'
Protein context (NP_001073911.1, residues 331-351): GGWGPSALAD[Pro341Ser]SGLWVRMPLT

ClinVar aggregate classification (germline): Uncertain significance. Review status: criteria provided, single submitter (1 of 4 stars). 2 submissions from 2 submitters: Uncertain significance (1). 1 of the submissions does not count toward it. Last evaluated 2025-11-06.

Conditions:
SLC38A8-related disorder. Also called: SLC38A8-related condition.
Inborn genetic diseases. Identifiers: MedGen C0950123, MeSH D030342.

Allele frequency attached by ClinVar (database versions not stated): ExAC 0.00015; TOPMed 0.00060; 1000 Genomes Project 30x 0.00016; gnomAD 0.00047; 1000 Genomes Project 0.00020; ESP Exome Variant Server 0.00062.
gnomAD v4.1: 160 of 1,613,724 alleles (0.0099%); highest among the groups gnomAD compares: African/African-American, 0.17%; 1 homozygote.

Submissions (2):

Ambry Genetics
Classification: Uncertain significance for Inborn genetic diseases. Last evaluated: 2025-11-06. Review status: criteria provided, single submitter. Criteria: Ambry Variant Classification Scheme 2023. Collection method: clinical testing. Allele origin: germline.

PreventionGenetics, part of Exact Sciences
Classification: Likely benign for SLC38A8-related condition. Last evaluated: 2023-12-14. Review status: no assertion criteria provided. Collection method: clinical testing. Allele origin: germline. Not counted in ClinVar's aggregate classification.
Comment: This variant is classified as likely benign based on ACMG/AMP sequence variant interpretation guidelines (Richards et al. 2015 PMID: 25741868, with internal and published modifications).